The following is an entry in ClinVar:

ClinVar aggregate classification (germline): Uncertain significance (1 of 4 stars; one submission).

Conditions:
Fanconi anemia (FA). Also called: Fanconi's anemia. Identifiers: Orphanet 84, MedGen C0015625, MeSH D005199, MONDO:0019391.

Submission:

Labcorp Genetics (formerly Invitae), Labcorp
Classification: Uncertain significance for Fanconi anemia. Last evaluated: 2022-02-25. Review status: criteria provided, single submitter. Criteria: Invitae Variant Classification Sherloc (09022015). Collection method: clinical testing. Allele origin: germline.
Comment: In summary, the available evidence is currently insufficient to determine the role of this variant in disease. Therefore, it has been classified as a Variant of Uncertain Significance. Algorithms developed to predict the effect of missense changes on protein structure and function (SIFT, PolyPhen-2, Align-GVGD) all suggest that this variant is likely to be tolerated. ClinVar contains an entry for this variant (Variation ID: 851534). This variant has not been reported in the literature in individuals affected with FANCD2-related conditions. This variant is not present in population databases (gnomAD no frequency). This sequence change replaces glutamic acid, which is acidic and polar, with lysine, which is basic and polar, at codon 40 of the FANCD2 protein (p.Glu40Lys).

NM_001018115.3(FANCD2):c.118G>A (p.Glu40Lys)

Genes: FANCD2 (FA complementation group D2; plus strand), LOC107303338 (3p25 FANCD2 Alu-mediated recombination region; plus strand). Cytogenetic location: 3p25.3.
Variant type: single nucleotide variant.
Coding change: c.118G>A on transcript NM_001018115.3 (MANE Select); coding-DNA position 118, G replaced by A.
Protein change: p.Glu40Lys; replaces glutamic acid 40 with lysine.
Molecular consequence: missense variant.
Genome position (GRCh38, 1-based): chr3:10,032,885, G>A. VCF-style: chr3-10032885-G-A. GRCh37 (hg19) VCF-style: chr3-10074569-G-A.
Other names: c.118G>A, p.Glu40Lys (NM_001319984.2, NM_001374253.1, NM_001374254.1 and 2 more transcripts); short protein forms E40K.
Identifiers: ClinVar variation 851534 (VCV000851534.9), dbSNP rs2086637443, ClinGen allele CA351718206.